The following is an entry in ClinVar:

NM_018052.5(VAC14):c.1135G>A (p.Gly379Ser)

Genes: VAC14 (VAC14 component of PIKFYVE complex; minus strand), VAC14-AS1 (VAC14 antisense RNA 1; plus strand). Cytogenetic location: 16q22.1.
Variant type: single nucleotide variant.
Coding change: c.1135G>A on transcript NM_018052.5 (MANE Select); coding-DNA position 1135, G replaced by A.
Protein change: p.Gly379Ser; replaces glycine 379 with serine.
Molecular consequence: missense variant. On other transcripts: non-coding transcript variant (1).
Genome position (GRCh38, 1-based): chr16:70,772,134, C>T on the plus strand (G>A on the coding strand, the complement: VAC14 is on the minus strand). VCF-style: chr16-70772134-C-T. GRCh37 (hg19) VCF-style: chr16-70806037-C-T.
Other names: c.433G>A, p.Gly145Ser (NM_001351157.2); c.1135G>A (NM_018052.3); short protein forms G379S, G145S.
Identifiers: ClinVar variation 2181544 (VCV002181544.3), dbSNP rs778169043, ClinGen allele CA8147821.
Genomic context (GRCh38, chr16:70,772,134, plus strand): 5'-TTCCACAAACCTTCTGGCTGAAACAAGCCACTTACCTGGCTGCAGTGAAGACACTGATGC[C>T]GCTACTGAAGCTGGAGTCACAGGAACCATCTGGACCTCCTGGGAGAGGAAGAGGAACAAG-3'
Protein context (NP_060522.3, residues 369-389): DGSCDSSFSS[Gly379Ser]ISVFTAASTE

ClinVar aggregate classification (germline): Conflicting classifications of pathogenicity. Review status: criteria provided, conflicting classifications (1 of 4 stars). 2 submissions from 2 submitters: Uncertain significance (1); Likely benign (1). Last evaluated 2024-09-16.

Conditions:
Inborn genetic diseases. Identifiers: MedGen C0950123, MeSH D030342.

Allele frequency attached by ClinVar (database versions not stated): gnomAD 0.00001; TOPMed 0.00003.
gnomAD v4.1: 24 of 1,613,948 alleles (0.0015%); highest among the groups gnomAD compares: East Asian, 0.013%; no homozygotes.

Submissions (2):

Labcorp Genetics (formerly Invitae), Labcorp
Classification: Uncertain significance. Last evaluated: 2024-09-16. Review status: criteria provided, single submitter. Criteria: Invitae Variant Classification Sherloc (09022015). Collection method: clinical testing. Allele origin: germline.
Comment: This sequence change replaces glycine, which is neutral and non-polar, with serine, which is neutral and polar, at codon 379 of the VAC14 protein (p.Gly379Ser). This variant is present in population databases (rs778169043, gnomAD 0.03%). This variant has not been reported in the literature in individuals affected with VAC14-related conditions. ClinVar contains an entry for this variant (Variation ID: 2181544). Invitae Evidence Modeling of protein sequence and biophysical properties (such as structural, functional, and spatial information, amino acid conservation, physicochemical variation, residue mobility, and thermodynamic stability) indicates that this missense variant is not expected to disrupt VAC14 protein function with a negative predictive value of 80%. In summary, the available evidence is currently insufficient to determine the role of this variant in disease. Therefore, it has been classified as a Variant of Uncertain Significance.

Ambry Genetics
Classification: Likely benign for Inborn genetic diseases. Last evaluated: 2022-11-18. Review status: criteria provided, single submitter. Criteria: Ambry Variant Classification Scheme 2023. Collection method: clinical testing. Allele origin: germline.